The following is an entry in ClinVar:

ClinVar aggregate classification (germline): Pathogenic. Review status: criteria provided, multiple submitters, no conflicts (2 of 4 stars). 3 submissions from 3 submitters: Pathogenic (3). Last evaluated 2023-08-24.

Conditions:
Hereditary nonpolyposis colorectal neoplasms. Identifiers: MedGen C0009405, MeSH D003123.
Hereditary cancer-predisposing syndrome. Also called: Neoplastic Syndromes, Hereditary; Tumor predisposition; Hereditary Cancer Syndrome; Hereditary neoplastic syndrome. Identifiers: Orphanet 140162, MedGen C0027672, MeSH D009386, MONDO:0015356.
Lynch syndrome 5 (LYNCH5). Also called: Colorectal cancer, hereditary nonpolyposis, type 5; Hereditary non-polyposis colorectal cancer, type 5. Identifiers: Orphanet 144, MedGen C1833477, MONDO:0013710, OMIM 614350. Disease mechanism: loss of function.

Submissions (3):

Myriad Genetics, Inc.
Classification: Pathogenic for Lynch syndrome 5. Last evaluated: 2023-08-24. Review status: criteria provided, single submitter. Criteria: Myriad Autosomal Dominant, Autosomal Recessive and X-Linked Classification Criteria (2023). Collection method: clinical testing. Allele origin: unknown.
Comment: This variant is considered pathogenic. This variant creates a frameshift predicted to result in premature protein truncation.

Labcorp Genetics (formerly Invitae), Labcorp
Classification: Pathogenic for Hereditary nonpolyposis colorectal neoplasms. Last evaluated: 2022-12-29. Review status: criteria provided, single submitter. Criteria: Invitae Variant Classification Sherloc (09022015). Collection method: clinical testing. Allele origin: germline.
Comment: This variant is not present in population databases (gnomAD no frequency). This sequence change creates a premature translational stop signal (p.Thr1189Lysfs*6) in the MSH6 gene. It is expected to result in an absent or disrupted protein product. Loss-of-function variants in MSH6 are known to be pathogenic (PMID: 18269114, 24362816). This premature translational stop signal has been observed in individual(s) with clinical features of Lynch syndrome (PMID: 28514183). For these reasons, this variant has been classified as Pathogenic. ClinVar contains an entry for this variant (Variation ID: 186929).

Ambry Genetics
Classification: Pathogenic for Hereditary cancer-predisposing syndrome. Last evaluated: 2018-11-05. Review status: criteria provided, single submitter. Criteria: Ambry Variant Classification Scheme 2023. Collection method: clinical testing. Allele origin: germline.
Comment: The c.3562_3565dupAGTA pathogenic mutation, located in coding exon 7 of the MSH6 gene, results from a duplication of AGTA at nucleotide position 3562, causing a translational frameshift with a predicted alternate stop codon (p.T1189Kfs*6). This alteration is expected to result in loss of function by premature protein truncation or nonsense-mediated mRNA decay. As such, this alteration is interpreted as a disease-causing mutation.

Literature cited by the submitters: PubMed 18269114 (cited by Labcorp Genetics (formerly Invitae), Labcorp); PubMed 24362816 (cited by Labcorp Genetics (formerly Invitae), Labcorp); PubMed 28514183 (cited by Labcorp Genetics (formerly Invitae), Labcorp).

NM_000179.3(MSH6):c.3562_3565dup (p.Thr1189fs)

Gene: MSH6 (mutS homolog 6; plus strand). Cytogenetic location: 2p16.3.
Variant type: Duplication.
Coding change: c.3562_3565dup on transcript NM_000179.3 (MANE Select); coding-DNA positions 3562 to 3565, 4 bases duplicated (AGTA; older notation c.3562_3565dupAGTA).
Protein change: p.Thr1189fs; shifts the reading frame from threonine 1189.
Molecular consequence: frameshift variant.
Genome position (GRCh38, 1-based): chr2:47,805,623-47,805,626, AGTA duplicated; duplicating any 4 consecutive bases within chr2:47,805,622-47,805,626 gives the same sequence; the c. name uses the placement nearest the transcript's 3' end. VCF-style (leftmost placement, unchanged base first): chr2-47805621-A-AAAGT. GRCh37 (hg19) VCF-style: chr2-48032760-A-AAAGT.
Other names: c.3172_3175dup, p.Thr1059fs (NM_001281492.2); c.2656_2659dup, p.Thr887fs (NM_001281493.2, NM_001281494.2); c.3562_3565dupAGTA (NM_000179.2); short protein forms T1059fs, T887fs, T1189fs.
Identifiers: ClinVar variation 186929 (VCV000186929.17), dbSNP rs786203331, ClinGen allele CA196265.